The following is an entry in ClinVar:

ClinVar aggregate classification (germline): Uncertain significance (1 of 4 stars; one submission).

Conditions:
Hereditary sensory and autonomic neuropathy type 6. Also called: HSAN VI; Neuropathy, hereditary sensory and autonomic, type VI. Identifiers: Orphanet 314381, MedGen C3539003, MONDO:0013839, OMIM 614653.
Epidermolysis bullosa simplex 3, localized or generalized intermediate, with BP230 deficiency (EBS3). Also called: Epidermolysis bullosa simplex due to BP230 deficiency; Epidermolysis bullosa simplex, autosomal recessive 2. Identifiers: Orphanet 412181, MedGen C3809470, MONDO:0014180, OMIM 615425.

gnomAD v4.1: 12 of 1,613,392 alleles (0.00074%); highest among the groups gnomAD compares: African/African-American, 0.0094%; no homozygotes.

Submission:

Labcorp Genetics (formerly Invitae), Labcorp
Classification: Uncertain significance for Epidermolysis bullosa simplex 3, localized or generalized intermediate, with BP230 deficiency; Hereditary sensory and autonomic neuropathy type 6. Last evaluated: 2024-02-11. Review status: criteria provided, single submitter. Criteria: Invitae Variant Classification Sherloc (09022015). Collection method: clinical testing. Allele origin: germline.
Comment: The DST gene has multiple clinically relevant transcripts. This variant occurs in alternate transcript NM_015548.4, and corresponds to NM_001723.5:c.*133405C>T in the primary transcript. This sequence change replaces arginine, which is basic and polar, with cysteine, which is neutral and slightly polar, at codon 4534 of the DST protein (p.Arg4534Cys). This variant is present in population databases (rs758097621, gnomAD 0.007%). This variant has not been reported in the literature in individuals affected with DST-related conditions. Experimental studies and prediction algorithms are not available or were not evaluated, and the functional significance of this variant is currently unknown. In summary, the available evidence is currently insufficient to determine the role of this variant in disease. Therefore, it has been classified as a Variant of Uncertain Significance.

NM_001374736.1(DST):c.21469C>T (p.Arg7157Cys)

Gene: DST (dystonin; minus strand). Cytogenetic location: 6p12.1.
Variant type: single nucleotide variant.
Coding change: c.21469C>T on transcript NM_001374736.1 (MANE Select); coding-DNA position 21469, C replaced by T.
Protein change: p.Arg7157Cys; replaces arginine 7157 with cysteine.
Molecular consequence: missense variant.
Genome position (GRCh38, 1-based): chr6:56,482,112, G>A on the plus strand (C>T on the coding strand, the complement: DST is on the minus strand). VCF-style: chr6-56482112-G-A. GRCh37 (hg19) VCF-style: chr6-56346910-G-A.
Other names: c.15112C>T, p.Arg5038Cys (NM_001144769.5); c.14698C>T, p.Arg4900Cys (NM_001144770.2); c.21469C>T, p.Arg7157Cys (NM_001374722.1); c.20509C>T, p.Arg6837Cys (NM_001374729.1); c.14251C>T, p.Arg4751Cys (NM_001374730.1); c.21496C>T, p.Arg7166Cys (NM_001374734.1); c.14578C>T, p.Arg4860Cys (NM_001386100.1, NM_183380.4); c.13600C>T, p.Arg4534Cys (NM_015548.5); short protein forms R4534C, R4751C, R4860C, R4900C, R5038C, R6837C, R7157C, R7166C.
Identifiers: ClinVar variation 3749388 (VCV003749388.2).